The following is an entry in ClinVar:

NM_198576.4(AGRN):c.2222G>T (p.Gly741Val)

Gene: AGRN (agrin; plus strand). Cytogenetic location: 1p36.33.
Variant type: single nucleotide variant.
Coding change: c.2222G>T on transcript NM_198576.4 (MANE Select); coding-DNA position 2222, G replaced by T.
Protein change: p.Gly741Val; replaces glycine 741 with valine.
Molecular consequence: missense variant.
Genome position (GRCh38, 1-based): chr1:1,044,407, G>T. VCF-style: chr1-1044407-G-T. GRCh37 (hg19) VCF-style: chr1-979787-G-T.
Other names: c.2222G>T, p.Gly741Val (NM_001305275.2); c.1907G>T, p.Gly636Val (NM_001364727.2); short protein forms G636V, G741V.
Identifiers: ClinVar variation 2892621 (VCV002892621.4), dbSNP rs775881320, ClinGen allele CA337837093.

ClinVar aggregate classification (germline): Uncertain significance. Review status: criteria provided, multiple submitters, no conflicts (2 of 4 stars). 2 submissions from 2 submitters: Uncertain significance (2). Last evaluated 2023-12-06.

Conditions:
Congenital myasthenic syndrome 8. Also called: Myasthenic syndrome, congenital, 8, with pre- and postsynaptic defects; MYASTHENIC SYNDROME, CONGENITAL, DUE TO AGRIN DEFICIENCY. Identifiers: Orphanet 590, MedGen C3808739, MONDO:0014052, OMIM 615120.

Submissions (2):

Labcorp Genetics (formerly Invitae), Labcorp
Classification: Uncertain significance for Congenital myasthenic syndrome 8. Last evaluated: 2023-12-06. Review status: criteria provided, single submitter. Criteria: Invitae Variant Classification Sherloc (09022015). Collection method: clinical testing. Allele origin: germline.
Comment: This sequence change replaces glycine, which is neutral and non-polar, with valine, which is neutral and non-polar, at codon 741 of the AGRN protein (p.Gly741Val). This variant is not present in population databases (gnomAD no frequency). This variant has not been reported in the literature in individuals affected with AGRN-related conditions. An algorithm developed to predict the effect of missense changes on protein structure and function (PolyPhen-2) suggests that this variant is likely to be tolerated. In summary, the available evidence is currently insufficient to determine the role of this variant in disease. Therefore, it has been classified as a Variant of Uncertain Significance.

Blueprint Genetics
Classification: Uncertain significance. Last evaluated: 2020-10-19. Review status: criteria provided, single submitter. Criteria: ACMG Guidelines, 2015. Collection method: clinical testing. Allele origin: germline.